The following is an entry in ClinVar:

ClinVar aggregate classification (germline): Likely benign (0 of 4 stars; one submission).

Conditions:
BMP6-related disorder. Also called: BMP6-related condition.

Allele frequency attached by ClinVar (database versions not stated): TOPMed 0.00004; gnomAD 0.00007; ExAC 0.00014.
gnomAD v4.1: 26 of 1,551,334 alleles (0.0017%); highest among the groups gnomAD compares: East Asian, 0.049%; no homozygotes.

Submission:

PreventionGenetics, part of Exact Sciences
Classification: Likely benign for BMP6-related condition. Last evaluated: 2019-06-25. Review status: no assertion criteria provided. Collection method: clinical testing. Allele origin: germline.
Comment: This variant is classified as likely benign based on ACMG/AMP sequence variant interpretation guidelines (Richards et al. 2015 PMID: 25741868, with internal and published modifications).

NM_001718.6(BMP6):c.661C>T (p.Leu221=)

Gene: BMP6 (bone morphogenetic protein 6; plus strand). Cytogenetic location: 6p24.3.
Variant type: single nucleotide variant.
Coding change: c.661C>T on transcript NM_001718.6 (MANE Select); coding-DNA position 661, C replaced by T.
Protein change: p.Leu221=; no amino-acid change (leucine 221 retained).
Molecular consequence: synonymous variant.
Genome position (GRCh38, 1-based): chr6:7,727,616, C>T. VCF-style: chr6-7727616-C-T. GRCh37 (hg19) VCF-style: chr6-7727849-C-T.
Identifiers: ClinVar variation 3042905 (VCV003042905.2), dbSNP rs767601109, ClinGen allele CA3628657.
Genomic context (GRCh38, chr6:7,727,616, plus strand): 5'-ACCAGCGCGCAGGACAGCGCCTTCCTCAACGACGCGGACATGGTCATGAGCTTTGTGAAC[C>T]TGGGTAAGGATTTGGGGTAACGTAATGACGAGAACATTTCCCCCTTTTCAGTGTCCCGGG-3'
Protein context (NP_001709.1, residues 211-231): DADMVMSFVN[Leu221=]VEYDKEFSPR